The following is an entry in ClinVar:

NM_017802.4(DNAAF5):c.1508C>T (p.Ala503Val)

Gene: DNAAF5 (dynein axonemal assembly factor 5; plus strand). Cytogenetic location: 7p22.3.
Variant type: single nucleotide variant.
Coding change: c.1508C>T on transcript NM_017802.4 (MANE Select); coding-DNA position 1508, C replaced by T.
Protein change: p.Ala503Val; replaces alanine 503 with valine.
Molecular consequence: missense variant. On other transcripts: non-coding transcript variant (1).
Genome position (GRCh38, 1-based): chr7:761,790, C>T. VCF-style: chr7-761790-C-T. GRCh37 (hg19) VCF-style: chr7-801427-C-T.
Other names: short protein forms A503V.
Identifiers: ClinVar variation 1774121 (VCV001774121.2), dbSNP rs367962150, ClinGen allele CA152344866.

ClinVar aggregate classification (germline): Uncertain significance (1 of 4 stars; one submission).

Conditions:
Primary ciliary dyskinesia. Also called: Ciliary dyskinesia. Identifiers: Orphanet 244, MedGen C0008780, MONDO:0016575, HP:0012265.

Allele frequency attached by ClinVar (database versions not stated): gnomAD exomes below 0.00001; TOPMed below 0.00001; ESP Exome Variant Server 0.00008.

Submission:

Ambry Genetics
Classification: Uncertain significance for Primary ciliary dyskinesia. Last evaluated: 2021-11-02. Review status: criteria provided, single submitter. Criteria: Ambry Variant Classification Scheme 2023. Collection method: clinical testing. Allele origin: germline.
Comment: The p.A503V variant (also known as c.1508C>T), located in coding exon 7 of the DNAAF5 gene, results from a C to T substitution at nucleotide position 1508. The alanine at codon 503 is replaced by valine, an amino acid with similar properties. This amino acid position is conserved. In addition, this alteration is predicted to be tolerated by in silico analysis. Since supporting evidence is limited at this time, the clinical significance of this alteration remains unclear.